The following is an entry in ClinVar:

ClinVar aggregate classification (germline): Uncertain significance. Review status: criteria provided, multiple submitters, no conflicts (2 of 4 stars). 3 submissions from 3 submitters: Uncertain significance (3). Last evaluated 2025-01-19.

Conditions:
Inborn genetic diseases. Identifiers: MedGen C0950123, MeSH D030342.
Trichohepatoenteric syndrome 1 (THES1). Also called: DIARRHEA, FATAL INFANTILE, WITH TRICHORRHEXIS NODOSA. Identifiers: Orphanet 84064, MedGen C4551982, MONDO:0024541, OMIM 222470.

Allele frequency attached by ClinVar (database versions not stated): gnomAD 0.00009; gnomAD exomes 0.00009 and 0.00016; ExAC 0.00012; TOPMed 0.00012; 1000 Genomes Project 30x 0.00016; 1000 Genomes Project 0.00020.
gnomAD v4.1: 145 of 1,614,202 alleles (0.009%); highest among the groups gnomAD compares: Admixed American, 0.06%; no homozygotes.

Submissions (3):

Ambry Genetics
Classification: Uncertain significance for Inborn genetic diseases. Last evaluated: 2025-01-19. Review status: criteria provided, single submitter. Criteria: Ambry Variant Classification Scheme 2023. Collection method: clinical testing. Allele origin: germline.

Labcorp Genetics (formerly Invitae), Labcorp
Classification: Uncertain significance. Last evaluated: 2022-07-18. Review status: criteria provided, single submitter. Criteria: Invitae Variant Classification Sherloc (09022015). Collection method: clinical testing. Allele origin: germline.
Comment: This sequence change replaces threonine, which is neutral and polar, with alanine, which is neutral and non-polar, at codon 1334 of the TTC37 protein (p.Thr1334Ala). This variant is present in population databases (rs186169356, gnomAD 0.08%). This variant has not been reported in the literature in individuals affected with TTC37-related conditions. ClinVar contains an entry for this variant (Variation ID: 1390335). Algorithms developed to predict the effect of missense changes on protein structure and function (SIFT, PolyPhen-2, Align-GVGD) all suggest that this variant is likely to be tolerated. In summary, the available evidence is currently insufficient to determine the role of this variant in disease. Therefore, it has been classified as a Variant of Uncertain Significance.

Center for Genomics, Ann and Robert H. Lurie Children's Hospital of Chicago
Classification: Uncertain significance for Trichohepatoenteric syndrome 1. Last evaluated: 2021-03-15. Review status: criteria provided, single submitter. Criteria: ACMG Guidelines, 2015. Collection method: clinical testing. Allele origin: germline.
Comment: TTC37 NM_014639.3 exon 38 p.Thr1334Ala (c.4000A>G): This variant has not been reported in the literature but is present in 0.02% (3/15284) of Latino alleles in the Genome Aggregation Database. Evolutionary conservation suggests that this variant may impact the protein; computational predictive tools suggest that this variant may not impact the protein. In summary, data on this variant is insufficient for disease classification. Therefore, the clinical significance of this variant is uncertain.

NM_014639.4(SKIC3):c.4000A>G (p.Thr1334Ala)

Gene: SKIC3 (SKI3 subunit of superkiller complex; minus strand). Cytogenetic location: 5q15.
Variant type: single nucleotide variant.
Coding change: c.4000A>G on transcript NM_014639.4 (MANE Select); coding-DNA position 4000, A replaced by G.
Protein change: p.Thr1334Ala; replaces threonine 1334 with alanine.
Molecular consequence: missense variant.
Genome position (GRCh38, 1-based): chr5:95,484,777, T>C on the plus strand (A>G on the coding strand, the complement: SKIC3 is on the minus strand). VCF-style: chr5-95484777-T-C. GRCh37 (hg19) VCF-style: chr5-94820481-T-C.
Other names: c.4000A>G (NM_014639.3); short protein forms T1334A.
Identifiers: ClinVar variation 1390335 (VCV001390335.5), dbSNP rs186169356, ClinGen allele CA3346525.
Genomic context (GRCh38, chr5:95,484,777, plus strand): 5'-AAAATACCTTTGTGCAGAGAGTTTCAGCTTCAGATATTCTTCCTGTGTCTATTAGACCAG[T>C]GACAGCTTGTGAGAGAGACCACTTTTCAAGGGACTGGTTGTAATTTTCAAAGAATTTTTC-3'
Protein context (NP_055454.1, residues 1324-1344): LEKWSLSQAV[Thr1334Ala]GLIDTGRISE